The following is an entry in ClinVar:

NM_002485.5(NBN):c.2087C>T (p.Ala696Val)

Gene: NBN (nibrin; minus strand). Cytogenetic location: 8q21.3.
Variant type: single nucleotide variant.
Coding change: c.2087C>T on transcript NM_002485.5 (MANE Select); coding-DNA position 2087, C replaced by T.
Protein change: p.Ala696Val; replaces alanine 696 with valine.
Molecular consequence: missense variant.
Genome position (GRCh38, 1-based): chr8:89,943,350, G>A on the plus strand (C>T on the coding strand, the complement: NBN is on the minus strand). VCF-style: chr8-89943350-G-A. GRCh37 (hg19) VCF-style: chr8-90955578-G-A.
Other names: c.1841C>T, p.Ala614Val (NM_001024688.3); short protein forms A696V, A614V.
Identifiers: ClinVar variation 565804 (VCV000565804.22), dbSNP rs1462278909, ClinGen allele CA371675824.
Genomic context (GRCh38, chr8:89,943,350, plus strand): 5'-TTCTTTCGAGCATGATGAGCTATTAGATCTGATCCTCCAATGATGTGTGGAAGTTTTCCT[G>A]CTCCAGGATATGTGACCTATTGAATAATAAAAGTAGTACAGTAAATCATATTAACAAACA-3'
Protein context (NP_002476.2, residues 686-706): KKFKKVTYPG[Ala696Val]GKLPHIIGGS

ClinVar aggregate classification (germline): Uncertain significance. Review status: criteria provided, multiple submitters, no conflicts (2 of 4 stars). 6 submissions from 6 submitters: Uncertain significance (5). 1 of the submissions does not count toward it. Last evaluated 2025-10-27.

Conditions:
Microcephaly, normal intelligence and immunodeficiency (NBS). Also called: BERLIN BREAKAGE SYNDROME; Nijmegen breakage syndrome; Microcephaly with normal intelligence immunodeficiency and lymphoreticular malignancies; Nonsyndromal microcephaly autosomal recessive with normal intelligence; Seemanova syndrome 2; Immunodeficiency, microcephaly with normal intelligence. Identifiers: Orphanet 647, MedGen C0398791, MONDO:0009623, OMIM 251260.
Hereditary cancer-predisposing syndrome. Also called: Neoplastic Syndromes, Hereditary; Hereditary Cancer Syndrome; Hereditary neoplastic syndrome; Tumor predisposition. Identifiers: Orphanet 140162, MedGen C0027672, MeSH D009386, MONDO:0015356.

Allele frequency attached by ClinVar (database versions not stated): TOPMed 0.00001.

Submissions (6):

Women's Health and Genetics/Laboratory Corporation of America, LabCorp
Classification: Uncertain significance. Last evaluated: 2025-10-27. Review status: criteria provided, single submitter. Criteria: LabCorp Variant Classification Summary - May 2015. Collection method: clinical testing. Allele origin: germline.
Comment: Variant summary: NBN c.2087C>T (p.Ala696Val) results in a non-conservative amino acid change in the encoded protein sequence. Algorithms developed to predict the effect of missense changes on protein structure and function are either unavailable or do not agree on the potential impact of this missense change. The variant was absent in 251266 control chromosomes (gnomAD). The available data on variant occurrences in the general population are insufficient to allow any conclusion about variant significance. To our knowledge, no occurrence of c.2087C>T in individuals affected with NBN-related conditions and no experimental evidence demonstrating its impact on protein function have been reported. ClinVar contains an entry for this variant (Variation ID: 565804). Based on the evidence outlined above, the variant was classified as uncertain significance.

Dasa
Classification: Uncertain significance. Last evaluated: 2025-05-21. Review status: criteria provided, single submitter. Criteria: DASA Assertion Criteria. Collection method: clinical testing. Allele origin: germline.
Comment: NM_002485.5(NBN):c.2087C>T (p.Ala696Val) is a missense variant that results in the substitution of alanine with valine. This variant is absent from population databases. Computational prediction algorithms are consistent with a benign effect. The currently available literature and clinical evidence are not sufficient to establish a definitive association between this variant and the reported condition. Therefore, this variant is classified as a variant of uncertain significance.

Labcorp Genetics (formerly Invitae), Labcorp
Classification: Uncertain significance for Microcephaly, normal intelligence and immunodeficiency. Last evaluated: 2024-10-15. Review status: criteria provided, single submitter. Criteria: Invitae Variant Classification Sherloc (09022015). Collection method: clinical testing. Allele origin: germline.
Comment: This sequence change replaces alanine, which is neutral and non-polar, with valine, which is neutral and non-polar, at codon 696 of the NBN protein (p.Ala696Val). This variant is not present in population databases (gnomAD no frequency). This variant has not been reported in the literature in individuals affected with NBN-related conditions. ClinVar contains an entry for this variant (Variation ID: 565804). An algorithm developed to predict the effect of missense changes on protein structure and function (PolyPhen-2) suggests that this variant is likely to be disruptive. In summary, the available evidence is currently insufficient to determine the role of this variant in disease. Therefore, it has been classified as a Variant of Uncertain Significance.

Ambry Genetics
Classification: Uncertain significance for Hereditary cancer-predisposing syndrome. Last evaluated: 2022-12-07. Review status: criteria provided, single submitter. Criteria: Ambry Variant Classification Scheme 2023. Collection method: clinical testing. Allele origin: germline.
Comment: The p.A696V variant (also known as c.2087C>T), located in coding exon 14 of the NBN gene, results from a C to T substitution at nucleotide position 2087. The alanine at codon 696 is replaced by valine, an amino acid with similar properties. The alteration was identified in a cohort of 34,046 patients who were treated at Memorial Sloan Kettering Cancer Center and classified as VUS by the study (Belhadj S et al. Clin Cancer Res, 2022 Nov). This amino acid position is highly conserved in available vertebrate species. In addition, the in silico prediction for this alteration is inconclusive. Since supporting evidence is limited at this time, the clinical significance of this alteration remains unclear.

Genome-Nilou Lab
Classification: Uncertain significance for Microcephaly, normal intelligence and immunodeficiency. Last evaluated: 2021-11-07. Review status: criteria provided, single submitter. Criteria: ACMG Guidelines, 2015. Collection method: clinical testing. Allele origin: germline. Affected: no.

Natera, Inc.
Classification: Uncertain significance for Nijmegen breakage syndrome. Last evaluated: 2020-01-24. Review status: no assertion criteria provided. Collection method: clinical testing. Allele origin: germline. Not counted in ClinVar's aggregate classification.

Literature cited by the submitters: PubMed 36346689 (cited by Women's Health and Genetics/Laboratory Corporation of America, LabCorp and Ambry Genetics).